The following is an entry in ClinVar:

ClinVar aggregate classification (germline): Uncertain significance. Review status: criteria provided, multiple submitters, no conflicts (2 of 4 stars). 3 submissions from 3 submitters: Uncertain significance (3). Last evaluated 2024-07-21.

Conditions:
RYR1-related disorder. Also called: RYR1-related condition; RYR1-related disorders. Identifiers: MedGen CN239331.

gnomAD v4.1: 3 of 1,391,456 alleles (0.00022%); highest among the groups gnomAD compares: South Asian, 0.0032%; no homozygotes.

Submissions (3):

Labcorp Genetics (formerly Invitae), Labcorp
Classification: Uncertain significance for RYR1-related disorder. Last evaluated: 2024-07-21. Review status: criteria provided, single submitter. Criteria: Invitae Variant Classification Sherloc (09022015). Collection method: clinical testing. Allele origin: germline.
Comment: This sequence change replaces glycine, which is neutral and non-polar, with valine, which is neutral and non-polar, at codon 4444 of the RYR1 protein (p.Gly4444Val). This variant is not present in population databases (gnomAD no frequency). This variant has not been reported in the literature in individuals affected with RYR1-related conditions. ClinVar contains an entry for this variant (Variation ID: 2435516). Advanced modeling of protein sequence and biophysical properties (such as structural, functional, and spatial information, amino acid conservation, physicochemical variation, residue mobility, and thermodynamic stability) has been performed at Invitae for this missense variant, however the output from this modeling did not meet the statistical confidence thresholds required to predict the impact of this variant on RYR1 protein function. In summary, the available evidence is currently insufficient to determine the role of this variant in disease. Therefore, it has been classified as a Variant of Uncertain Significance.

GeneDx
Classification: Uncertain significance. Last evaluated: 2023-03-30. Review status: criteria provided, single submitter. Criteria: GeneDx Variant Classification Process June 2021. Collection method: clinical testing. Allele origin: germline. Affected: yes.
Comment: Not observed at significant frequency in large population cohorts (gnomAD); In silico analysis supports that this missense variant does not alter protein structure/function; Has not been previously published as pathogenic or benign to our knowledge

Revvity Omics, Revvity
Classification: Uncertain significance. Last evaluated: 2022-05-12. Review status: criteria provided, single submitter. Criteria: ACMG Guidelines, 2015. Collection method: clinical testing. Allele origin: germline.

NM_000540.3(RYR1):c.13331G>T (p.Gly4444Val)

Genes: RYR1 (ryanodine receptor 1; plus strand), LOC130064357 (ATAC-STARR-seq lymphoblastoid silent region 10577; plus strand). Cytogenetic location: 19q13.2.
Variant type: single nucleotide variant.
Coding change: c.13331G>T on transcript NM_000540.3 (MANE Select); coding-DNA position 13331, G replaced by T.
Protein change: p.Gly4444Val; replaces glycine 4444 with valine.
Molecular consequence: missense variant.
Genome position (GRCh38, 1-based): chr19:38,565,665, G>T. VCF-style: chr19-38565665-G-T. GRCh37 (hg19) VCF-style: chr19-39056305-G-T.
Other names: c.13316G>T, p.Gly4439Val (NM_001042723.2); short protein forms G4439V, G4444V.
Identifiers: ClinVar variation 2435516 (VCV002435516.6), dbSNP rs2514681614, ClinGen allele CA405675057.